The following is an entry in ClinVar:

NM_000719.7(CACNA1C):c.5648C>T (p.Pro1883Leu)

Genes: CACNA1C (calcium voltage-gated channel subunit alpha1 C; plus strand), CACNA1C-AS1 (CACNA1C antisense RNA 1; minus strand). Cytogenetic location: 12p13.33.
Variant type: single nucleotide variant.
Coding change: c.5648C>T on transcript NM_000719.7 (MANE Select); coding-DNA position 5648, C replaced by T.
Protein change: p.Pro1883Leu; replaces proline 1883 with leucine.
Molecular consequence: missense variant.
Genome position (GRCh38, 1-based): chr12:2,685,810, C>T. VCF-style: chr12-2685810-C-T. GRCh37 (hg19) VCF-style: chr12-2794976-C-T.
Other names: c.5828C>T, p.Pro1943Leu (NM_001167625.2); c.5897C>T, p.Pro1966Leu (NM_199460.4); c.5792C>T, p.Pro1931Leu (NM_001129827.2); c.5771C>T, p.Pro1924Leu (NM_001129829.2); c.5753C>T, p.Pro1918Leu (NM_001129830.3, NM_001167624.3); c.5732C>T, p.Pro1911Leu (NM_001129831.2); c.5708C>T, p.Pro1903Leu (NM_001129832.2); c.5705C>T, p.Pro1902Leu (NM_001129833.2, NM_001129834.2, NM_001129835.2); and 6 more; short protein forms P1918L, P1931L, P1883L, P1872L, P1891L, P1903L, P1924L, P1943L.
Identifiers: ClinVar variation 581391 (VCV000581391.10), dbSNP rs578233776, ClinGen allele CA6389915.

ClinVar aggregate classification (germline): Conflicting classifications of pathogenicity. Review status: criteria provided, conflicting classifications (1 of 4 stars). 2 submissions from 2 submitters: Uncertain significance (1); Likely benign (1). Last evaluated 2025-11-30.

Conditions:
Long QT syndrome (LQTS). Identifiers: MedGen C0023976, MeSH D008133, MONDO:0002442. Disease mechanism: loss of function. Inheritance: Various modes of inheritance.
Cardiovascular phenotype. Identifiers: MedGen CN230736.

Allele frequency attached by ClinVar (database versions not stated): gnomAD exomes 0.00001 and 0.00002; ExAC 0.00002; TOPMed 0.00004; gnomAD 0.00005; 1000 Genomes Project 30x 0.00016; 1000 Genomes Project 0.00020.
gnomAD v4.1: 20 of 1,613,600 alleles (0.0012%); highest among the groups gnomAD compares: African/African-American, 0.008%; no homozygotes.

Submissions (2):

Labcorp Genetics (formerly Invitae), Labcorp
Classification: Uncertain significance for Long QT syndrome. Last evaluated: 2025-11-30. Review status: criteria provided, single submitter. Criteria: Invitae Variant Classification Sherloc (09022015). Collection method: clinical testing. Allele origin: germline.
Comment: This sequence change replaces proline, which is neutral and non-polar, with leucine, which is neutral and non-polar, at codon 1883 of the CACNA1C protein (p.Pro1883Leu). The frequency data for this variant in the population databases is considered unreliable, as metrics indicate poor data quality at this position in the gnomAD database. This missense change has been observed in individual(s) with atrial septal defects (PMID: 32368696). This variant is also known as P1966L. ClinVar contains an entry for this variant (Variation ID: 581391). Invitae Evidence Modeling of protein sequence and biophysical properties (such as structural, functional, and spatial information, amino acid conservation, physicochemical variation, residue mobility, and thermodynamic stability) indicates that this missense variant is not expected to disrupt CACNA1C protein function with a negative predictive value of 95%. In summary, the available evidence is currently insufficient to determine the role of this variant in disease. Therefore, it has been classified as a Variant of Uncertain Significance.

Ambry Genetics
Classification: Likely benign for Cardiovascular phenotype. Last evaluated: 2023-09-22. Review status: criteria provided, single submitter. Criteria: Ambry Variant Classification Scheme 2023. Collection method: clinical testing. Allele origin: germline.

Literature cited by the submitters: PubMed 32368696 (cited by Labcorp Genetics (formerly Invitae), Labcorp).